The following is an entry in ClinVar:

ClinVar aggregate classification (germline): Uncertain significance. Review status: criteria provided, multiple submitters, no conflicts (2 of 4 stars). 3 submissions from 3 submitters: Uncertain significance (3). Last evaluated 2025-05-04.

Conditions:
Inborn genetic diseases. Identifiers: MedGen C0950123, MeSH D030342.
Autosomal recessive limb-girdle muscular dystrophy type 2O. Also called: Limb-Girdle Muscular Dystrophy Type 3C; MUSCULAR DYSTROPHY-DYSTROGLYCANOPATHY (LIMB-GIRDLE), TYPE C, 3; MUSCULAR DYSTROPHY-DYSTROGLYCANOPATHY, LIMB-GIRDLE, POMGNT1-RELATED. Identifiers: Orphanet 206564, MedGen C3150417, MONDO:0013161, OMIM 613157.
Muscular dystrophy-dystroglycanopathy (congenital with impaired intellectual development), type B, 3. Also called: MUSCULAR DYSTROPHY, CONGENITAL, POMGNT1-RELATED; Muscular dystrophy-dystroglycanopathy (congenital with intellectual disability), type B3. Identifiers: MedGen C3150412, MONDO:0013155, OMIM 613151.

Allele frequency attached by ClinVar (database versions not stated): gnomAD exomes 0.00001 and below 0.00001; TOPMed 0.00003; ExAC 0.00002; gnomAD 0.00001.
gnomAD v4.1: 8 of 1,613,492 alleles (0.0005%); highest among the groups gnomAD compares: African/African-American, 0.004%; no homozygotes.

Submissions (3):

Ambry Genetics
Classification: Uncertain significance for Inborn genetic diseases. Last evaluated: 2025-05-04. Review status: criteria provided, single submitter. Criteria: Ambry Variant Classification Scheme 2023. Collection method: clinical testing. Allele origin: germline.

Blueprint Genetics
Classification: Uncertain significance. Last evaluated: 2022-10-27. Review status: criteria provided, single submitter. Criteria: ACMG Guidelines, 2015. Collection method: clinical testing. Allele origin: germline.

Labcorp Genetics (formerly Invitae), Labcorp
Classification: Uncertain significance for Autosomal recessive limb-girdle muscular dystrophy type 2O; Muscular dystrophy-dystroglycanopathy (congenital with impaired intellectual development), type B, 3. Last evaluated: 2021-09-02. Review status: criteria provided, single submitter. Criteria: Invitae Variant Classification Sherloc (09022015). Collection method: clinical testing. Allele origin: germline.
Comment: This sequence change replaces arginine with glutamine at codon 616 of the POMGNT1 protein (p.Arg616Gln). The arginine residue is highly conserved and there is a small physicochemical difference between arginine and glutamine. This variant is present in population databases (rs775534917, ExAC 0.003%). This variant has not been reported in the literature in individuals affected with POMGNT1-related conditions. Advanced modeling of protein sequence and biophysical properties (such as structural, functional, and spatial information, amino acid conservation, physicochemical variation, residue mobility, and thermodynamic stability) performed at Invitae indicates that this missense variant is not expected to disrupt POMGNT1 protein function. In summary, the available evidence is currently insufficient to determine the role of this variant in disease. Therefore, it has been classified as a Variant of Uncertain Significance.

NM_017739.4(POMGNT1):c.1847G>A (p.Arg616Gln)

Genes: POMGNT1 (protein O-linked mannose N-acetylglucosaminyltransferase 1 (beta 1,2-); minus strand), TSPAN1 (tetraspanin 1; plus strand). Cytogenetic location: 1p34.1.
Variant type: single nucleotide variant.
Coding change: c.1847G>A on transcript NM_017739.4 (MANE Select); coding-DNA position 1847, G replaced by A.
Protein change: p.Arg616Gln; replaces arginine 616 with glutamine.
Molecular consequence: missense variant.
Genome position (GRCh38, 1-based): chr1:46,189,506, C>T on the plus strand (G>A on the coding strand, the complement: POMGNT1 is on the minus strand). VCF-style: chr1-46189506-C-T. GRCh37 (hg19) VCF-style: chr1-46655178-C-T.
Other names: c.1847G>A, p.Arg616Gln (NM_001410783.1, NM_001243766.2); c.1781G>A, p.Arg594Gln (NM_001290129.3); c.1418G>A, p.Arg473Gln (NM_001290130.2); short protein forms R473Q, R594Q, R616Q.
Identifiers: ClinVar variation 1398891 (VCV001398891.7), dbSNP rs775534917, ClinGen allele CA833215.